The following is an entry in ClinVar:

NC_000021.9:g.(?_36765002)_(36767295_?)del

Gene: HLCS (holocarboxylase synthetase; minus strand). Cytogenetic location: 21q22.13.
Variant type: Deletion.
Identifiers: ClinVar variation 831787 (VCV000831787.5).

ClinVar aggregate classification (germline): Pathogenic (1 of 4 stars; one submission).

Conditions:
Holocarboxylase synthetase deficiency. Also called: MULTIPLE CARBOXYLASE DEFICIENCY, EARLY ONSET. Identifiers: Orphanet 79242, MedGen C0268581, MONDO:0009666, OMIM 253270.

Submission:

Labcorp Genetics (formerly Invitae), Labcorp
Classification: Pathogenic for Holocarboxylase synthetase deficiency. Last evaluated: 2019-07-29. Review status: criteria provided, single submitter. Criteria: Invitae Variant Classification Sherloc (09022015). Collection method: clinical testing. Allele origin: germline.
Comment: For these reasons, this variant has been classified as Pathogenic. Loss-of-function variants in HLCS are known to be pathogenic (PMID: 16134170). This variant has not been reported in the literature in individuals with HLCS-related conditions. This variant is an out-of-frame deletion of the genomic region encompassing exons 8-9 of the HLCS gene. This is expected to create a premature translational stop signal and result in an absent or disrupted protein product.

Literature cited by the submitters: PubMed 16134170.